The following is an entry in ClinVar:

ClinVar aggregate classification (germline): Likely benign (0 of 4 stars; one submission).

Conditions:
CEP85L-related disorder. Also called: CEP85L-related condition.

gnomAD v4.1: 13 of 1,611,212 alleles (0.00081%); highest among the groups gnomAD compares: Non-Finnish European, 0.0011%; no homozygotes.

Submission:

PreventionGenetics, part of Exact Sciences
Classification: Likely benign for CEP85L-related condition. Last evaluated: 2024-04-23. Review status: no assertion criteria provided. Collection method: clinical testing. Allele origin: germline.
Comment: This variant is classified as likely benign based on ACMG/AMP sequence variant interpretation guidelines (Richards et al. 2015 PMID: 25741868, with internal and published modifications).

NM_001042475.3(CEP85L):c.1785C>T (p.Ile595=)

Gene: CEP85L (centrosomal protein 85 like; minus strand). Cytogenetic location: 6q22.31.
Variant type: single nucleotide variant.
Coding change: c.1785C>T on transcript NM_001042475.3 (MANE Select); coding-DNA position 1785, C replaced by T.
Protein change: p.Ile595=; no amino-acid change (isoleucine 595 retained).
Molecular consequence: synonymous variant.
Genome position (GRCh38, 1-based): chr6:118,480,474, G>A on the plus strand (C>T on the coding strand, the complement: CEP85L is on the minus strand). VCF-style: chr6-118480474-G-A. GRCh37 (hg19) VCF-style: chr6-118801637-G-A.
Other names: c.1794C>T, p.Ile598= (NM_001178035.2).
Identifiers: ClinVar variation 3351969 (VCV003351969.1).